The following is an entry in ClinVar:

ClinVar aggregate classification (germline): Pathogenic (1 of 4 stars; one submission).

Submission:

Labcorp Genetics (formerly Invitae), Labcorp
Classification: Pathogenic. Last evaluated: 2022-02-02. Review status: criteria provided, single submitter. Criteria: Invitae Variant Classification Sherloc (09022015). Collection method: clinical testing. Allele origin: germline.
Comment: For these reasons, this variant has been classified as Pathogenic. This variant has not been reported in the literature in individuals affected with BEST1-related conditions. This variant is a gross deletion of the genomic region encompassing exon(s) 3-4 of the BEST1 gene. This deletion is out-of-frame, and is expected to create a premature termination codon and result in an absent or disrupted protein product. Loss-of-function variants in BEST1 are known to be pathogenic (PMID: 21825197).

Literature cited by the submitters: PubMed 21825197.

NC_000011.9:g.(?_61722559)_(61723443_?)del

Gene: BEST1 (bestrophin 1; plus strand). Cytogenetic location: 11q12.3.
Variant type: Deletion.
Identifiers: ClinVar variation 2425029 (VCV002425029.4).